The following is an entry in ClinVar:

ClinVar aggregate classification (germline): Conflicting classifications of pathogenicity. Review status: criteria provided, conflicting classifications (1 of 4 stars). 4 submissions from 4 submitters: Uncertain significance (2); Benign (1). 1 of the submissions does not count toward it. Last evaluated 2025-06-12.

Conditions:
LRP6-related disorder. Also called: LRP6-related condition.
Inborn genetic diseases. Identifiers: MedGen C0950123, MeSH D030342.

Allele frequency attached by ClinVar (database versions not stated): 1000 Genomes Project 0.00040; 1000 Genomes Project 30x 0.00047; ESP Exome Variant Server 0.00085.
gnomAD v4.1: 205 of 1,614,184 alleles (0.013%); highest among the groups gnomAD compares: African/African-American, 0.25%; 2 homozygotes.

Submissions (4):

Labcorp Genetics (formerly Invitae), Labcorp
Classification: Benign. Last evaluated: 2025-06-12. Review status: criteria provided, single submitter. Criteria: Invitae Variant Classification Sherloc (09022015). Collection method: clinical testing. Allele origin: germline.

Ambry Genetics
Classification: Uncertain significance for Inborn genetic diseases. Last evaluated: 2024-10-09. Review status: criteria provided, single submitter. Criteria: Ambry Variant Classification Scheme 2023. Collection method: clinical testing. Allele origin: germline.

GeneDx
Classification: Uncertain significance. Last evaluated: 2022-07-11. Review status: criteria provided, single submitter. Criteria: GeneDx Variant Classification Process June 2021. Collection method: clinical testing. Allele origin: germline. Affected: yes.
Comment: In silico analysis supports that this missense variant does not alter protein structure/function; Has not been previously published as pathogenic or benign to our knowledge

PreventionGenetics, part of Exact Sciences
Classification: Likely benign for LRP6-related condition. Last evaluated: 2019-08-28. Review status: no assertion criteria provided. Collection method: clinical testing. Allele origin: germline. Not counted in ClinVar's aggregate classification.
Comment: This variant is classified as likely benign based on ACMG/AMP sequence variant interpretation guidelines (Richards et al. 2015 PMID: 25741868, with internal and published modifications).

NM_002336.3(LRP6):c.113A>G (p.Asn38Ser)

Gene: LRP6 (LDL receptor related protein 6; minus strand). Cytogenetic location: 12p13.2.
Variant type: single nucleotide variant.
Coding change: c.113A>G on transcript NM_002336.3 (MANE Select); coding-DNA position 113, A replaced by G.
Protein change: p.Asn38Ser; replaces asparagine 38 with serine.
Molecular consequence: missense variant.
Genome position (GRCh38, 1-based): chr12:12,244,598, T>C on the plus strand (A>G on the coding strand, the complement: LRP6 is on the minus strand). VCF-style: chr12-12244598-T-C. GRCh37 (hg19) VCF-style: chr12-12397532-T-C.
Other names: c.113A>G, p.Asn38Ser (NM_001414244.1, NM_001414245.1, NM_001414246.1 and 6 more transcripts); c.-341A>G (NM_001414253.1); c.-337A>G (NM_001414254.1); short protein forms N38S.
Identifiers: ClinVar variation 1878844 (VCV001878844.9), dbSNP rs138911001, ClinGen allele CA6455936.
Genomic context (GRCh38, chr12:12,244,598, plus strand): 5'-AAGTCCACCGCAGCTGCATCCTCCAAGCCTCCAACTACAATCGTAGCATTCTCTTTGCCA[T>C]TTGTAGCATCAACCAATCGCAAGTCCCGTCTGTTTGCATAAAGCAACAAAGGGGCCGCTA-3'
Protein context (NP_002327.2, residues 28-48): RRDLRLVDAT[Asn38Ser]GKENATIVVG